The following is an entry in ClinVar:

NM_002529.4(NTRK1):c.1773T>G (p.Tyr591Ter)

Gene: NTRK1 (neurotrophic receptor tyrosine kinase 1; plus strand). Cytogenetic location: 1q23.1.
Variant type: single nucleotide variant.
Coding change: c.1773T>G on transcript NM_002529.4 (MANE Select); coding-DNA position 1773, T replaced by G.
Protein change: p.Tyr591Ter; replaces tyrosine 591 with a stop codon.
Molecular consequence: nonsense.
Genome position (GRCh38, 1-based): chr1:156,876,540, T>G. VCF-style: chr1-156876540-T-G. GRCh37 (hg19) VCF-style: chr1-156846332-T-G.
Other names: c.1773T>G, p.Tyr591Ter (NM_001007204.1); c.1665T>G, p.Tyr555Ter (NM_001007792.1); c.1755T>G, p.Tyr585Ter (NM_001012331.2); short protein forms Y555*, Y585*, Y591*.
Identifiers: ClinVar variation 2764076 (VCV002764076.3), dbSNP rs2102919917, ClinGen allele CA342938678.

ClinVar aggregate classification (germline): Pathogenic (1 of 4 stars; one submission).

Conditions:
Hereditary insensitivity to pain with anhidrosis (CIPA). Also called: FAMILIAL DYSAUTONOMIA, TYPE II; hereditary sensory and autonomic neuropathy type 4; INSENSITIVITY TO PAIN, CONGENITAL, WITH ANHIDROSIS; NTRK1 Congenital Insensitivity to Pain with Anhidrosis; HSAN Type IV; NEUROPATHY, CONGENITAL SENSORY, WITH ANHIDROSIS. Identifiers: Orphanet 642, MedGen C0020074, MONDO:0009746, OMIM 256800.

Submission:

Labcorp Genetics (formerly Invitae), Labcorp
Classification: Pathogenic for Hereditary insensitivity to pain with anhidrosis. Last evaluated: 2023-09-28. Review status: criteria provided, single submitter. Criteria: Invitae Variant Classification Sherloc (09022015). Collection method: clinical testing. Allele origin: germline.
Comment: This sequence change creates a premature translational stop signal (p.Tyr585*) in the NTRK1 gene. It is expected to result in an absent or disrupted protein product. Loss-of-function variants in NTRK1 are known to be pathogenic (PMID: 10982191). This variant is not present in population databases (gnomAD no frequency). This variant has not been reported in the literature in individuals affected with NTRK1-related conditions. For these reasons, this variant has been classified as Pathogenic.

Literature cited by the submitters: PubMed 10982191.